The following is an entry in ClinVar:

ClinVar aggregate classification (germline): Uncertain significance. Review status: criteria provided, multiple submitters, no conflicts (2 of 4 stars). 2 submissions from 2 submitters: Uncertain significance (2). Last evaluated 2025-08-13.

Allele frequency attached by ClinVar (database versions not stated): gnomAD 0.00001; TOPMed 0.00001; ExAC 0.00002; gnomAD exomes 0.00002.
gnomAD v4.1: 29 of 1,609,640 alleles (0.0018%); highest among the groups gnomAD compares: Admixed American, 0.0084%; no homozygotes.

Submissions (2):

Labcorp Genetics (formerly Invitae), Labcorp
Classification: Uncertain significance. Last evaluated: 2025-08-13. Review status: criteria provided, single submitter. Criteria: Invitae Variant Classification Sherloc (09022015). Collection method: clinical testing. Allele origin: germline.
Comment: This sequence change replaces aspartic acid, which is acidic and polar, with glycine, which is neutral and non-polar, at codon 126 of the DDX58 protein (p.Asp126Gly). This variant is present in population databases (rs750988335, gnomAD 0.02%). This variant has not been reported in the literature in individuals affected with DDX58-related conditions. ClinVar contains an entry for this variant (Variation ID: 2975626). An algorithm developed to predict the effect of missense changes on protein structure and function (PolyPhen-2) suggests that this variant is likely to be tolerated. In summary, the available evidence is currently insufficient to determine the role of this variant in disease. Therefore, it has been classified as a Variant of Uncertain Significance.

Blueprint Genetics
Classification: Uncertain significance. Last evaluated: 2023-05-22. Review status: criteria provided, single submitter. Criteria: ACMG Guidelines, 2015. Collection method: clinical testing. Allele origin: germline.

NM_014314.4(RIGI):c.377A>G (p.Asp126Gly)

Gene: RIGI (RNA sensor RIG-I; minus strand). Cytogenetic location: 9p21.1.
Variant type: single nucleotide variant.
Coding change: c.377A>G on transcript NM_014314.4 (MANE Select); coding-DNA position 377, A replaced by G.
Protein change: p.Asp126Gly; replaces aspartic acid 126 with glycine.
Molecular consequence: missense variant. On other transcripts: 5 prime UTR variant (3).
Genome position (GRCh38, 1-based): chr9:32,493,807, T>C on the plus strand (A>G on the coding strand, the complement: RIGI is on the minus strand). VCF-style: chr9-32493807-T-C. GRCh37 (hg19) VCF-style: chr9-32493805-T-C.
Other names: c.377A>G, p.Asp126Gly (NM_001385907.1, NM_001385909.1, NM_001385913.1); c.-78A>G (NM_001385910.1, NM_001385914.1); c.-85A>G (NM_001385912.1); short protein forms D126G.
Identifiers: ClinVar variation 2975626 (VCV002975626.4), dbSNP rs750988335, ClinGen allele CA5020108.